The following is an entry in ClinVar:

ClinVar aggregate classification (germline): Uncertain significance (1 of 4 stars; one submission).

Conditions:
TLR3-related disorder. Also called: TLR3-related condition.

gnomAD v4.1: 1 of 1,614,126 alleles (0.000062%); highest among the groups gnomAD compares: Non-Finnish European, 0.000085%; no homozygotes.

Submission:

PreventionGenetics, part of Exact Sciences
Classification: Uncertain significance for TLR3-related condition. Last evaluated: 2022-10-25. Review status: criteria provided, single submitter. Criteria: ACMG Guidelines, 2015. Collection method: clinical testing. Allele origin: germline.
Comment: The TLR3 c.415A>C variant is predicted to result in the amino acid substitution p.Lys139Gln. To our knowledge, this variant has not been reported in the literature or in a large population database, indicating this variant is rare. At this time, the clinical significance of this variant is uncertain due to the absence of conclusive functional and genetic evidence.

NM_003265.3(TLR3):c.415A>C (p.Lys139Gln)

Gene: TLR3 (toll like receptor 3; plus strand). Cytogenetic location: 4q35.1.
Variant type: single nucleotide variant.
Coding change: c.415A>C on transcript NM_003265.3 (MANE Select); coding-DNA position 415, A replaced by C.
Protein change: p.Lys139Gln; replaces lysine 139 with glutamine.
Molecular consequence: missense variant.
Genome position (GRCh38, 1-based): chr4:186,077,034, A>C. VCF-style: chr4-186077034-A-C. GRCh37 (hg19) VCF-style: chr4-186998188-A-C.
Other names: short protein forms K139Q.
Identifiers: ClinVar variation 2635218 (VCV002635218.1), dbSNP rs2099302564, ClinGen allele CA359107990.